The following is an entry in ClinVar:

NM_130468.4(CHST14):c.1024A>G (p.Ser342Gly)

Gene: CHST14 (carbohydrate sulfotransferase 14; plus strand). Cytogenetic location: 15q15.1.
Variant type: single nucleotide variant.
Coding change: c.1024A>G on transcript NM_130468.4 (MANE Select); coding-DNA position 1024, A replaced by G.
Protein change: p.Ser342Gly; replaces serine 342 with glycine.
Molecular consequence: missense variant.
Genome position (GRCh38, 1-based): chr15:40,472,237, A>G. VCF-style: chr15-40472237-A-G. GRCh37 (hg19) VCF-style: chr15-40764436-A-G.
Other names: short protein forms S342G.
Identifiers: ClinVar variation 3372651 (VCV003372651.2).
Genomic context (GRCh38, chr15:40,472,237, plus strand): 5'-CCAGCTCGCCAGGCCTGGTACCGGCCAGCCAGCCCCGAAAGCCTGCATTACCACTTGTGC[A>G]GTGCCCCCCGGGCCCTGCTGCAGGATGTGCTGCCTAAGTATATCCTGGACTTCTCCCTCT-3'
Protein context (NP_569735.1, residues 332-352): SPESLHYHLC[Ser342Gly]APRALLQDVL

ClinVar aggregate classification (germline): Uncertain significance. Review status: criteria provided, multiple submitters, no conflicts (2 of 4 stars). 2 submissions from 2 submitters: Uncertain significance (2). Last evaluated 2026-04-27.

Conditions:
Cardiovascular phenotype. Identifiers: MedGen CN230736.

Submissions (2):

Ambry Genetics
Classification: Uncertain significance for Cardiovascular phenotype. Last evaluated: 2026-04-27. Review status: criteria provided, single submitter. Criteria: Ambry Variant Classification Scheme 2023. Collection method: clinical testing. Allele origin: germline.
Comment: The p.S342G variant (also known as c.1024A>G), located in coding exon 1 of the CHST14 gene, results from an A to G substitution at nucleotide position 1024. The serine at codon 342 is replaced by glycine, an amino acid with similar properties. This amino acid position is conserved. In addition, this alteration is predicted to be tolerated by in silico analysis. Based on the available evidence, the clinical significance of this variant remains unclear.

GeneDx
Classification: Uncertain significance. Last evaluated: 2024-04-16. Review status: criteria provided, single submitter. Criteria: GeneDx Variant Classification Process June 2021. Collection method: clinical testing. Allele origin: germline. Affected: yes.
Comment: Not observed at significant frequency in large population cohorts (gnomAD); In silico analysis indicates that this missense variant does not alter protein structure/function; Has not been previously published as pathogenic or benign to our knowledge